The following is an entry in ClinVar:

ClinVar aggregate classification (germline): Uncertain significance (1 of 4 stars; one submission).

Conditions:
Infantile neuroaxonal dystrophy (NBIA2A). Also called: NEURODEGENERATION WITH BRAIN IRON ACCUMULATION 2A; SEITELBERGER DISEASE; Infantile neuroaxonal dystrophy 1. Identifiers: Orphanet 35069, MedGen C0270724, MONDO:0024457, OMIM 256600.

gnomAD v4.1: 4 of 1,553,730 alleles (0.00026%); highest among the groups gnomAD compares: Middle Eastern, 0.052%; no homozygotes.

Submission:

Labcorp Genetics (formerly Invitae), Labcorp
Classification: Uncertain significance for Infantile neuroaxonal dystrophy. Last evaluated: 2022-06-15. Review status: criteria provided, single submitter. Criteria: Invitae Variant Classification Sherloc (09022015). Collection method: clinical testing. Allele origin: germline.
Comment: This sequence change replaces alanine, which is neutral and non-polar, with proline, which is neutral and non-polar, at codon 343 of the PLA2G6 protein (p.Ala343Pro). This variant is not present in population databases (gnomAD no frequency). This variant has not been reported in the literature in individuals affected with PLA2G6-related conditions. Advanced modeling of protein sequence and biophysical properties (such as structural, functional, and spatial information, amino acid conservation, physicochemical variation, residue mobility, and thermodynamic stability) performed at Invitae indicates that this missense variant is not expected to disrupt PLA2G6 protein function. In summary, the available evidence is currently insufficient to determine the role of this variant in disease. Therefore, it has been classified as a Variant of Uncertain Significance.

NM_003560.4(PLA2G6):c.1027G>C (p.Ala343Pro)

Gene: PLA2G6 (phospholipase A2 group VI; minus strand). Cytogenetic location: 22q13.1.
Variant type: single nucleotide variant.
Coding change: c.1027G>C on transcript NM_003560.4 (MANE Select); coding-DNA position 1027, G replaced by C.
Protein change: p.Ala343Pro; replaces alanine 343 with proline.
Molecular consequence: missense variant.
Genome position (GRCh38, 1-based): chr22:38,132,881, C>G on the plus strand (G>C on the coding strand, the complement: PLA2G6 is on the minus strand). VCF-style: chr22-38132881-C-G. GRCh37 (hg19) VCF-style: chr22-38528888-C-G.
Other names: c.1027G>C, p.Ala343Pro (NM_001004426.3, NM_001199562.3, NM_001349864.2 and 2 more transcripts); c.493G>C, p.Ala165Pro (NM_001349867.2, NM_001349869.2); c.349G>C, p.Ala117Pro (NM_001349868.2); short protein forms A117P, A343P, A165P.
Identifiers: ClinVar variation 2066619 (VCV002066619.1), dbSNP rs11570680, ClinGen allele CA411530712.